The following is an entry in ClinVar:

NM_001232.4(CASQ2):c.925del (p.Asp309fs)

Gene: CASQ2 (calsequestrin 2; minus strand). Cytogenetic location: 1p13.1.
Variant type: Deletion.
Coding change: c.925del on transcript NM_001232.4 (MANE Select); coding-DNA position 925, one base deleted (G; older notation c.925delG).
Protein change: p.Asp309fs; shifts the reading frame from aspartic acid 309.
Molecular consequence: frameshift variant.
Genome position (GRCh38, 1-based): chr1:115,705,206, C deleted on the plus strand (G on the coding strand, the reverse complement: CASQ2 is on the minus strand); the first of 2 consecutive C bases (chr1:115,705,206-115,705,207); deleting either gives the same sequence. VCF-style (leftmost placement, unchanged base first): chr1-115705205-TC-T. GRCh37 (hg19) VCF-style: chr1-116247826-TC-T.
Other names: c.925delG (NM_001232.3); short protein forms D309fs.
Identifiers: ClinVar variation 1766367 (VCV001766367.5), dbSNP rs2464840483, ClinGen allele CA2580060852.

ClinVar aggregate classification (germline): Pathogenic/Likely pathogenic. Review status: criteria provided, multiple submitters, no conflicts (2 of 4 stars). 2 submissions from 2 submitters: Pathogenic (1); Likely pathogenic (1). Last evaluated 2023-12-18.

Conditions:
Catecholaminergic polymorphic ventricular tachycardia 1. Also called: VENTRICULAR TACHYCARDIA, CATECHOLAMINERGIC POLYMORPHIC, 1, WITH OR WITHOUT ATRIAL DYSFUNCTION AND/OR DILATED CARDIOMYOPATHY; VENTRICULAR TACHYCARDIA, STRESS-INDUCED POLYMORPHIC 1; RYR2-Related Catecholaminergic Polymorphic Ventricular Tachycardia. Identifiers: Orphanet 3286, MedGen C1631597, MONDO:0011484, OMIM 604772.
Cardiovascular phenotype. Identifiers: MedGen CN230736.

Submissions (2):

Labcorp Genetics (formerly Invitae), Labcorp
Classification: Pathogenic for Catecholaminergic polymorphic ventricular tachycardia 1. Last evaluated: 2023-12-18. Review status: criteria provided, single submitter. Criteria: Invitae Variant Classification Sherloc (09022015). Collection method: clinical testing. Allele origin: germline.
Comment: This sequence change creates a premature translational stop signal (p.Asp309Thrfs*26) in the CASQ2 gene. While this is not anticipated to result in nonsense mediated decay, it is expected to disrupt the last 91 amino acid(s) of the CASQ2 protein. This variant is not present in population databases (gnomAD no frequency). This variant has not been reported in the literature in individuals affected with CASQ2-related conditions. ClinVar contains an entry for this variant (Variation ID: 1766367). This variant disrupts a region of the CASQ2 protein in which other variant(s) (p.Leu366Pro) have been determined to be pathogenic (PMID: 32693635). This suggests that this is a clinically significant region of the protein, and that variants that disrupt it are likely to be disease-causing. For these reasons, this variant has been classified as Pathogenic.

Ambry Genetics
Classification: Likely pathogenic for Cardiovascular phenotype. Last evaluated: 2021-06-30. Review status: criteria provided, single submitter. Criteria: Ambry Variant Classification Scheme 2023. Collection method: clinical testing. Allele origin: germline.
Comment: The c.925delG variant, located in coding exon 9 of the CASQ2 gene, results from a deletion of one nucleotide at nucleotide position 925, causing a translational frameshift with a predicted alternate stop codon (p.D309Tfs*26). This variant is considered to be rare based on population cohorts in the Genome Aggregation Database (gnomAD). This alteration occurs at the 3' terminus of theCASQ2 gene, is not expected to trigger nonsense-mediated mRNA decay, and only impacts the last 23% of the protein. However, premature stop codons are typically deleterious in nature and the impacted region is critical for protein function (Ambry internal data). Based on the majority of available evidence to date, this variant is likely to be pathogenic.

Literature cited by the submitters: PubMed 32693635 (cited by Labcorp Genetics (formerly Invitae), Labcorp).